The following is an entry in ClinVar:

ClinVar aggregate classification (germline): Uncertain significance (1 of 4 stars; one submission).

Conditions:
Primary dilated cardiomyopathy (DCM). Also called: Dilated Cardiomyopathy. Identifiers: Orphanet 217604, MedGen C0007193, MeSH D002311, MONDO:0005021, HP:0001644. Inheritance: Various modes of inheritance.

Submission:

Labcorp Genetics (formerly Invitae), Labcorp
Classification: Uncertain significance for Primary dilated cardiomyopathy. Last evaluated: 2025-07-01. Review status: criteria provided, single submitter. Criteria: Invitae Variant Classification Sherloc (09022015). Collection method: clinical testing. Allele origin: germline.
Comment: This sequence change replaces glycine, which is neutral and non-polar, with glutamic acid, which is acidic and polar, at codon 690 of the NEBL protein (p.Gly690Glu). This variant is not present in population databases (gnomAD no frequency). This variant has not been reported in the literature in individuals affected with NEBL-related conditions. An algorithm developed to predict the effect of missense changes on protein structure and function outputs the following: PolyPhen-2: "Benign". The glutamic acid amino acid residue is found in multiple mammalian species, which suggests that this missense change does not adversely affect protein function. In summary, the available evidence is currently insufficient to determine the role of this variant in disease. Therefore, it has been classified as a Variant of Uncertain Significance.

NM_006393.3(NEBL):c.2069G>A (p.Gly690Glu)

Genes: NEBL (nebulette; minus strand), LOC126860875 (MED14-independent group 3 enhancer GRCh37_chr10:21105746-21106945; plus strand). Cytogenetic location: 10p12.31.
Variant type: single nucleotide variant.
Coding change: c.2069G>A on transcript NM_006393.3 (MANE Select); coding-DNA position 2069, G replaced by A.
Protein change: p.Gly690Glu; replaces glycine 690 with glutamic acid.
Molecular consequence: missense variant. On other transcripts: intron variant (9).
Genome position (GRCh38, 1-based): chr10:20,817,679, C>T on the plus strand (G>A on the coding strand, the complement: NEBL is on the minus strand). VCF-style: chr10-20817679-C-T. GRCh37 (hg19) VCF-style: chr10-21106608-C-T.
Other names: c.250-4739G>A (NM_001377326.1, NM_001377327.1, NM_001377328.1); c.358-4739G>A (NM_213569.2, NM_001173484.2, NM_001377322.1); c.301-4739G>A (NM_001377324.1); c.292-4739G>A (NM_001377325.1); c.310-4739G>A (NM_001377323.1); short protein forms G690E.
Identifiers: ClinVar variation 4722178 (VCV004722178.1).